The following is an entry in ClinVar:

ClinVar aggregate classification (germline): Uncertain significance (1 of 4 stars; one submission).

Conditions:
Wolman disease (WOLD). Also called: Acid cholesteryl ester hydrolase deficiency, Wolman type; Acid lipase disease; Wolman disease, CESD; Wolman disease with hypolipoproteinemia and acanthocytosis; LYSOSOMAL ACID LIPASE DEFICIENCY, ACUTE INFANTILE; LYSOSOMAL ACID LIPASE DEFICIENCY, COMPLETE. Identifiers: Orphanet 75233, MedGen C0043208, MONDO:0019148, OMIM 620151.

Allele frequency attached by ClinVar (database versions not stated): gnomAD exomes below 0.00001.
gnomAD v4.1: 1 of 1,606,422 alleles (0.000062%); highest among the groups gnomAD compares: Non-Finnish European, 0.000085%; no homozygotes.

Submission:

Labcorp Genetics (formerly Invitae), Labcorp
Classification: Uncertain significance for Wolman disease. Last evaluated: 2023-11-19. Review status: criteria provided, single submitter. Criteria: Invitae Variant Classification Sherloc (09022015). Collection method: clinical testing. Allele origin: germline.
Comment: This sequence change replaces tyrosine, which is neutral and polar, with cysteine, which is neutral and slightly polar, at codon 59 of the LIPA protein (p.Tyr59Cys). This variant is not present in population databases (gnomAD no frequency). This variant has not been reported in the literature in individuals affected with LIPA-related conditions. Advanced modeling of protein sequence and biophysical properties (such as structural, functional, and spatial information, amino acid conservation, physicochemical variation, residue mobility, and thermodynamic stability) performed at Invitae indicates that this missense variant is expected to disrupt LIPA protein function with a positive predictive value of 80%. In summary, the available evidence is currently insufficient to determine the role of this variant in disease. Therefore, it has been classified as a Variant of Uncertain Significance.

NM_000235.4(LIPA):c.176A>G (p.Tyr59Cys)

Gene: LIPA (lipase A, lysosomal acid type; minus strand). Cytogenetic location: 10q23.31.
Variant type: single nucleotide variant.
Coding change: c.176A>G on transcript NM_000235.4 (MANE Select); coding-DNA position 176, A replaced by G.
Protein change: p.Tyr59Cys; replaces tyrosine 59 with cysteine.
Molecular consequence: missense variant. On other transcripts: intron variant (1).
Genome position (GRCh38, 1-based): chr10:89,245,729, T>C on the plus strand (A>G on the coding strand, the complement: LIPA is on the minus strand). VCF-style: chr10-89245729-T-C. GRCh37 (hg19) VCF-style: chr10-91005486-T-C.
Other names: c.176A>G, p.Tyr59Cys (NM_001127605.3); c.-120+6008A>G (NM_001288979.2); short protein forms Y59C.
Identifiers: ClinVar variation 2998607 (VCV002998607.3), dbSNP rs2495641057, ClinGen allele CA377518288.